The following is an entry in ClinVar:

ClinVar aggregate classification (germline): Uncertain significance (1 of 4 stars; one submission).

Conditions:
Charcot-Marie-Tooth disease type 2R. Also called: CHARCOT-MARIE-TOOTH NEUROPATHY, TYPE 2R; Charcot-Marie-Tooth disease, axonal, type 2R; CHARCOT-MARIE-TOOTH DISEASE, AXONAL, AUTOSOMAL RECESSIVE, TYPE 2R. Identifiers: Orphanet 397968, MedGen C3809655, MONDO:0014208, OMIM 615490.

Submission:

Labcorp Genetics (formerly Invitae), Labcorp
Classification: Uncertain significance for Charcot-Marie-Tooth disease type 2R. Last evaluated: 2024-07-22. Review status: criteria provided, single submitter. Criteria: Invitae Variant Classification Sherloc (09022015). Collection method: clinical testing. Allele origin: germline.
Comment: This sequence change replaces isoleucine, which is neutral and non-polar, with serine, which is neutral and polar, at codon 204 of the TRIM2 protein (p.Ile204Ser). This variant is not present in population databases (gnomAD no frequency). This variant has not been reported in the literature in individuals affected with TRIM2-related conditions. An algorithm developed to predict the effect of missense changes on protein structure and function (PolyPhen-2) suggests that this variant is likely to be disruptive. In summary, the available evidence is currently insufficient to determine the role of this variant in disease. Therefore, it has been classified as a Variant of Uncertain Significance.

NM_015271.5(TRIM2):c.692T>G (p.Ile231Ser)

Gene: TRIM2 (tripartite motif containing 2; plus strand). Cytogenetic location: 4q31.3.
Variant type: single nucleotide variant.
Coding change: c.692T>G on transcript NM_015271.5 (MANE Select); coding-DNA position 692, T replaced by G.
Protein change: p.Ile231Ser; replaces isoleucine 231 with serine.
Molecular consequence: missense variant. On other transcripts: intron variant (2).
Genome position (GRCh38, 1-based): chr4:153,294,391, T>G. VCF-style: chr4-153294391-T-G. GRCh37 (hg19) VCF-style: chr4-154215543-T-G.
Other names: c.611T>G, p.Ile204Ser (NM_001130067.2, NM_001351056.2, NM_001375512.1 and 5 more transcripts); c.665T>G, p.Ile222Ser (NM_001351054.2); c.662T>G, p.Ile221Ser (NM_001351055.2); c.236T>G, p.Ile79Ser (NM_001351057.2); c.785T>G, p.Ile262Ser (NM_001375488.1); c.782T>G, p.Ile261Ser (NM_001375489.1); c.692T>G, p.Ile231Ser (NM_001375490.1); c.689T>G, p.Ile230Ser (NM_001375491.1); and 3 more; short protein forms I118S, I261S, I79S, I221S, I222S, I230S, I231S, I204S.
Identifiers: ClinVar variation 3660186 (VCV003660186.2).
Genomic context (GRCh38, chr4:153,294,391, plus strand): 5'-AGTTCATCTCTGAAATCATTCATCAGTTAACCAACCAAAAGGCCAGCATCGTGGATGACA[T>G]TCATTCCACCTTTGATGAGCTCCAGAAGACTTTAAATGTGCGCAAGAGTGTGCTGCTTAT-3'
Protein context (NP_056086.2, residues 221-241): TNQKASIVDD[Ile231Ser]HSTFDELQKT